The following is an entry in ClinVar:

ClinVar aggregate classification (germline): Uncertain significance (1 of 4 stars; one submission).

Submission:

Labcorp Genetics (formerly Invitae), Labcorp
Classification: Uncertain significance. Last evaluated: 2025-12-28. Review status: criteria provided, single submitter. Criteria: Invitae Variant Classification Sherloc (09022015). Collection method: clinical testing. Allele origin: germline.
Comment: This sequence change replaces leucine, which is neutral and non-polar, with valine, which is neutral and non-polar, at codon 608 of the COL11A1 protein (p.Leu608Val). This variant is not present in population databases (gnomAD no frequency). This variant has not been reported in the literature in individuals affected with COL11A1-related conditions. Invitae Evidence Modeling of protein sequence and biophysical properties (such as structural, functional, and spatial information, amino acid conservation, physicochemical variation, residue mobility, and thermodynamic stability) has been performed for this missense variant. However, the output from this modeling did not meet the statistical confidence thresholds required to predict the impact of this variant on COL11A1 protein function. In summary, the available evidence is currently insufficient to determine the role of this variant in disease. Therefore, it has been classified as a Variant of Uncertain Significance.

NM_001854.4(COL11A1):c.1822C>G (p.Leu608Val)

Gene: COL11A1 (collagen type XI alpha 1 chain; minus strand). Cytogenetic location: 1p21.1.
Variant type: single nucleotide variant.
Coding change: c.1822C>G on transcript NM_001854.4 (MANE Select); coding-DNA position 1822, C replaced by G.
Protein change: p.Leu608Val; replaces leucine 608 with valine.
Molecular consequence: missense variant. On other transcripts: non-coding transcript variant (1).
Genome position (GRCh38, 1-based): chr1:103,005,861, G>C on the plus strand (C>G on the coding strand, the complement: COL11A1 is on the minus strand). VCF-style: chr1-103005861-G-C. GRCh37 (hg19) VCF-style: chr1-103471417-G-C.
Other names: c.1705C>G, p.Leu569Val (NM_001190709.2); c.1858C>G, p.Leu620Val (NM_080629.3); c.1474C>G, p.Leu492Val (NM_080630.4); short protein forms L620V, L492V, L569V, L608V.
Identifiers: ClinVar variation 4743400 (VCV004743400.1).